The following is an entry in ClinVar:

NM_000156.6(GAMT):c.608_621del (p.Arg203fs)

Gene: GAMT (guanidinoacetate N-methyltransferase; minus strand). Cytogenetic location: 19p13.3.
Variant type: Deletion.
Coding change: c.608_621del on transcript NM_000156.6 (MANE Select); coding-DNA positions 608 to 621, 14 bases deleted (GGAGGGAGAACATC).
Protein change: p.Arg203fs; shifts the reading frame from arginine 203.
Molecular consequence: frameshift variant.
Genome position (GRCh38, 1-based): chr19:1,397,449-1,397,462, GATGTTCTCCCTCC deleted on the plus strand (GGAGGGAGAACATC on the coding strand, the reverse complement: GAMT is on the minus strand); deleting any 14 consecutive bases within chr19:1,397,449-1,397,463 gives the same sequence; the c. name uses the placement nearest the transcript's 3' end. VCF-style (leftmost placement, unchanged base first): chr19-1397448-GGATGTTCTCCCTCC-G. GRCh37 (hg19) VCF-style: chr19-1397447-GGATGTTCTCCCTCC-G.
Other names: short protein forms R203fs.
Identifiers: ClinVar variation 2089258 (VCV002089258.4), dbSNP rs2512221367, ClinGen allele CA2580096043.

ClinVar aggregate classification (germline): Pathogenic (1 of 4 stars; one submission).

Conditions:
Cerebral creatine deficiency syndrome. Also called: Creatine deficiency syndromes. Identifiers: Orphanet 79172, MedGen C5244016, MONDO:0000456.

Submission:

Labcorp Genetics (formerly Invitae), Labcorp
Classification: Pathogenic for Cerebral creatine deficiency syndrome. Last evaluated: 2022-02-01. Review status: criteria provided, single submitter. Criteria: Invitae Variant Classification Sherloc (09022015). Collection method: clinical testing. Allele origin: germline.
Comment: This sequence change results in a frameshift in the GAMT gene (p.Arg203Profs*59). While this is not anticipated to result in nonsense mediated decay, it is expected to disrupt the last 34 amino acid(s) of the GAMT protein and extend the protein by 24 additional amino acid residues. This variant is not present in population databases (gnomAD no frequency). This variant has not been reported in the literature in individuals affected with GAMT-related conditions. This variant results in an extension of the GAMT protein. Other variant(s) that result in a similarly extended protein product (p.Arg204Glufs*63) have been determined to be pathogenic (PMID: 19027335, 27848944). This suggests that these extensions are likely to be disease-causing. For these reasons, this variant has been classified as Pathogenic.

Literature cited by the submitters: PubMed 19027335; PubMed 27848944.